The following is an entry in ClinVar:

NM_006767.4(LZTR1):c.2406+2T>C

Gene: LZTR1 (leucine zipper like post translational regulator 1; plus strand). Cytogenetic location: 22q11.21.
Variant type: single nucleotide variant.
Coding change: c.2406+2T>C on transcript NM_006767.4 (MANE Select); the canonical splice donor site of the intron after coding-DNA position 2406, T replaced by C.
Molecular consequence: splice donor variant.
Genome position (GRCh38, 1-based): chr22:20,996,968, T>C. VCF-style: chr22-20996968-T-C. GRCh37 (hg19) VCF-style: chr22-21351257-T-C.
Identifiers: ClinVar variation 3238243 (VCV003238243.2), dbSNP rs1188461028.

ClinVar aggregate classification (germline): Likely pathogenic (1 of 4 stars; one submission).

Conditions:
Hereditary cancer-predisposing syndrome. Also called: Neoplastic Syndromes, Hereditary; Tumor predisposition; Hereditary neoplastic syndrome; Hereditary Cancer Syndrome. Identifiers: Orphanet 140162, MedGen C0027672, MeSH D009386, MONDO:0015356.
Cardiovascular phenotype. Identifiers: MedGen CN230736.

Submission:

Ambry Genetics
Classification: Likely pathogenic for Cardiovascular phenotype; Hereditary cancer-predisposing syndrome. Last evaluated: 2025-10-21. Review status: criteria provided, single submitter. Criteria: Ambry Variant Classification Scheme 2023. Collection method: clinical testing. Allele origin: germline.
Comment: The c.2406+2T>C intronic variant results from a T to C substitution two nucleotides after coding exon 20 in the LZTR1 gene. Alterations that disrupt the canonical splice site are expected to result in aberrant splicing. In silico splice site analysis predicts that this alteration will weaken the native splice donor site. RNA studies have demonstrated that this alteration results in abnormal splicing in the set of samples tested (Ambry internal data). The resulting transcript is predicted to be in-frame and is not expected to trigger nonsense-mediated mRNAdecay; however, direct evidence is unavailable. The exact functional effect of the altered amino acid sequence is unknown; however, the impacted region is critical for protein function (Ambry internal data). This variant is considered to be rare based on population cohorts in the Genome Aggregation Database (gnomAD). This nucleotide position is highly conserved in available vertebrate species. Based on the supporting evidence, this variant is likely pathogenic for an increased risk of LZTR1-related schwannomatosis (SWN) and would be expected to cause autosomal recessive Noonan syndrome when present along with a second pathogenic or likely pathogenic variant on the other allele.